The following is an entry in ClinVar:

NM_033305.3(VPS13A):c.8842_8843del (p.Ala2948fs)

Gene: VPS13A (vacuolar protein sorting 13 homolog A; plus strand). Cytogenetic location: 9q21.2.
Variant type: Deletion.
Coding change: c.8842_8843del on transcript NM_033305.3 (MANE Select); coding-DNA positions 8842 to 8843, 2 bases deleted (GC; older notation c.8842_8843delGC).
Protein change: p.Ala2948fs; shifts the reading frame from alanine 2948.
Molecular consequence: frameshift variant.
Genome position (GRCh38, 1-based): chr9:77,370,513-77,370,514, GC deleted. VCF-style (leftmost placement, unchanged base first): chr9-77370512-AGC-A. GRCh37 (hg19) VCF-style: chr9-79985428-AGC-A.
Other names: c.8725_8726del, p.Ala2909fs (NM_001018037.2); c.8842_8843del, p.Ala2948fs (NM_001018038.3, NM_015186.4); short protein forms A2909fs, A2948fs.
Identifiers: ClinVar variation 5011684 (VCV005011684.1).

ClinVar aggregate classification (germline): Pathogenic (1 of 4 stars; one submission).

Conditions:
VPS13A-related neurodegenerative disease. Also called: ACANTHOCYTOSIS WITH NEUROLOGIC DISORDER; LEVINE-CRITCHLEY SYNDROME; Choreoacanthocytosis; Chorea-acanthocytosis; Choreaacanthocytosis; VPS13A Disease. Identifiers: Orphanet 2388, MedGen C0393576, MONDO:0008695, OMIM 200150.

Submission:

Myriad Genetics, Inc.
Classification: Pathogenic for VPS13A-related neurodegenerative disease. Last evaluated: 2023-09-17. Review status: criteria provided, single submitter. Criteria: Myriad Autosomal Dominant, Autosomal Recessive and X-Linked Classification Criteria (2023). Collection method: clinical testing. Allele origin: unknown.
Comment: NM_033305.2(VPS13A):c.8842_8843delGC(A2948Hfs*3) is expected to be pathogenic in the context of VPS13A disease. This variant is predicted to lead to an abnormal or absent protein product due to the creation of a premature termination codon in VPS13A, a gene where loss-of-function variants are known to be pathogenic. Please note: this variant was assessed in the context of healthy population screening.